The following is an entry in ClinVar:

ClinVar aggregate classification (germline): Pathogenic (1 of 4 stars; one submission).

Conditions:
Fanconi anemia (FA). Also called: Fanconi's anemia. Identifiers: Orphanet 84, MedGen C0015625, MeSH D005199, MONDO:0019391.

Submission:

Labcorp Genetics (formerly Invitae), Labcorp
Classification: Pathogenic for Fanconi anemia. Last evaluated: 2023-02-14. Review status: criteria provided, single submitter. Criteria: Invitae Variant Classification Sherloc (09022015). Collection method: clinical testing. Allele origin: germline.
Comment: Disruption of this splice site has been observed in individuals with Fanconi Anemia (PMID: 10094191, 29098742). Algorithms developed to predict the effect of sequence changes on RNA splicing suggest that this variant may disrupt the consensus splice site. For these reasons, this variant has been classified as Pathogenic. This variant is not present in population databases (gnomAD no frequency). This sequence change affects an acceptor splice site in intron 6 of the FANCA gene. It is expected to disrupt RNA splicing. Variants that disrupt the donor or acceptor splice site typically lead to a loss of protein function (PMID: 16199547), and loss-of-function variants in FANCA are known to be pathogenic (PMID: 19367192).

Literature cited by the submitters: PubMed 10094191; PubMed 29098742; PubMed 16199547; PubMed 19367192.

NM_000135.4(FANCA):c.597-2A>T

Gene: FANCA (FA complementation group A; minus strand). Cytogenetic location: 16q24.3.
Variant type: single nucleotide variant.
Coding change: c.597-2A>T on transcript NM_000135.4 (MANE Select); the canonical splice acceptor site of the intron before coding-DNA position 597, A replaced by T.
Molecular consequence: splice acceptor variant.
Genome position (GRCh38, 1-based): chr16:89,805,394, T>A on the plus strand (A>T on the coding strand, the complement: FANCA is on the minus strand). VCF-style: chr16-89805394-T-A. GRCh37 (hg19) VCF-style: chr16-89871802-T-A.
Other names: c.597-2A>T (NM_001286167.3, NM_001018112.3); c.501-2A>T (NM_001351830.2).
Identifiers: ClinVar variation 2837239 (VCV002837239.3), dbSNP rs2040602804, ClinGen allele CA397478272.
Genomic context (GRCh38, chr16:89,805,394, plus strand): 5'-CACAAAGGCAGCACAGATTCCTGAAGAGCCACGATCCCACAGCATGCATGTCGGGATGGC[T>A]GGAGACACACACAGAGGCAGACGTAAGGCTCAACTAAATCCCATCATCAGGGGATTGAGT-3'